The following is an entry in ClinVar:

NM_007126.5(VCP):c.2406T>C (p.Asp802=)

Gene: VCP (valosin containing protein; minus strand). Cytogenetic location: 9p13.3.
Variant type: single nucleotide variant.
Coding change: c.2406T>C on transcript NM_007126.5 (MANE Select); coding-DNA position 2406, T replaced by C.
Protein change: p.Asp802=; no amino-acid change (aspartic acid 802 retained).
Molecular consequence: synonymous variant.
Genome position (GRCh38, 1-based): chr9:35,057,132, A>G on the plus strand (T>C on the coding strand, the complement: VCP is on the minus strand). VCF-style: chr9-35057132-A-G. GRCh37 (hg19) VCF-style: chr9-35057129-A-G.
Other names: p.Asp802=; c.2271T>C, p.Asp757= (NM_001354927.2, NM_001354928.2).
Identifiers: ClinVar variation 194756 (VCV000194756.68), dbSNP rs145508640, ClinGen allele CA240900.

ClinVar aggregate classification (germline): Benign/Likely benign. Review status: criteria provided, multiple submitters, no conflicts (2 of 4 stars). 11 submissions from 10 submitters: Benign (1); Likely benign (8). 2 of the submissions do not count toward it. Last evaluated 2026-06-01.

Conditions:
Frontotemporal dementia and/or amyotrophic lateral sclerosis 6 (FTDALS6). Also called: VCP-Related Amyotrophic Lateral Sclerosis/Frontotemporal Dementia; VCP-Related Amyotrophic Lateral Sclerosis. Identifiers: Orphanet 275872, Orphanet 803, MedGen C5436279, MONDO:0013501, OMIM 613954.
Inclusion body myopathy with Paget disease of bone and frontotemporal dementia. Also called: Inclusion body myopathy with early-onset Paget disease and frontotemporal dementia. Identifiers: Orphanet 52430, MedGen C1833662, MONDO:0000507.
Inborn genetic diseases. Identifiers: MedGen C0950123, MeSH D030342.
Inclusion body myopathy with Paget disease of bone and frontotemporal dementia type 1. Also called: MULTISYSTEM PROTEINOPATHY 1; Inclusion body myopathy with early-onset Paget disease and frontotemporal dementia 1; Inclusion body myopathy with early-onset Paget disease with or without frontotemporal dementia 1. Identifiers: MedGen C4551951, MONDO:0008178, OMIM 167320.

Allele frequency attached by ClinVar (database versions not stated): gnomAD exomes 0.00028 and 0.00042; gnomAD 0.00029 and 0.00032; TOPMed 0.00029; 1000 Genomes Project 30x 0.00016; 1000 Genomes Project 0.00020; ESP Exome Variant Server 0.00023; ExAC 0.00028.
gnomAD v4.1: 649 of 1,614,154 alleles (0.04%); highest among the groups gnomAD compares: Non-Finnish European, 0.05%; 2 homozygotes.

Submissions (11):

CeGaT Center for Human Genetics Tuebingen
Classification: Likely benign. Last evaluated: 2026-06-01. Review status: criteria provided, single submitter. Criteria: CeGaT Center For Human Genetics Tuebingen Variant Classification Criteria Version 2. Collection method: clinical testing. Allele origin: germline. Affected: yes. Observed: 3 variant alleles.
Comment: VCP: BP4, BP7

Labcorp Genetics (formerly Invitae), Labcorp
Classification: Likely benign for Inclusion body myopathy with Paget disease of bone and frontotemporal dementia; Frontotemporal dementia and/or amyotrophic lateral sclerosis 6. Last evaluated: 2025-12-27. Review status: criteria provided, single submitter. Criteria: Invitae Variant Classification Sherloc (09022015). Collection method: clinical testing. Allele origin: germline.

Mayo Clinic Laboratories, Mayo Clinic
Classification: Likely benign. Last evaluated: 2025-09-10. Review status: criteria provided, single submitter. Criteria: ACMG Guidelines, 2015. Collection method: clinical testing. Allele origin: germline. Observed: 1 variant allele.
Comment: BS2, BP4, BP7

Blueprint Genetics
Classification: Likely benign. Last evaluated: 2024-04-04. Review status: criteria provided, single submitter. Criteria: ACMG Guidelines, 2015. Collection method: clinical testing. Allele origin: germline.

GeneDx
Classification: Likely benign. Last evaluated: 2021-04-26. Review status: criteria provided, single submitter. Criteria: GeneDx Variant Classification Process June 2021. Collection method: clinical testing. Allele origin: germline. Affected: yes.

Ambry Genetics
Classification: Likely benign for Inborn genetic diseases. Last evaluated: 2019-07-11. Review status: criteria provided, single submitter. Criteria: Ambry Variant Classification Scheme 2023. Collection method: clinical testing. Allele origin: germline.

Eurofins Ntd Llc (ga)
Classification: Likely benign. Last evaluated: 2018-03-29. Review status: criteria provided, single submitter. Criteria: EGL ClinVar v180209 classification definitions. Collection method: clinical testing. Allele origin: germline. Observed: 2 variant alleles, 2 heterozygotes.

Illumina Laboratory Services, Illumina
Classification: Benign for Inclusion body myopathy with Paget disease of bone and frontotemporal dementia type 1. Last evaluated: 2018-01-12. Review status: criteria provided, single submitter. Criteria: ICSL Variant Classification Criteria 13 December 2019. Collection method: clinical testing. Allele origin: germline.
Comment: This variant was observed in the ICSL laboratory as part of a predisposition screen in an ostensibly healthy population. It had not been previously curated by ICSL or reported in the Human Gene Mutation Database (HGMD: prior to June 1st, 2018), and was therefore a candidate for classification through an automated scoring system. Utilizing variant allele frequency, disease prevalence and penetrance estimates, and inheritance mode, an automated score was calculated to assess if this variant is too frequent to cause the disease. Based on the score and internal cut-off values, a variant classified as benign is not then subjected to further curation. The score for this variant resulted in a classification of benign for this disease.

Illumina Laboratory Services, Illumina
Classification: Likely benign for Frontotemporal dementia and/or amyotrophic lateral sclerosis 6. Last evaluated: 2018-01-12. Review status: criteria provided, single submitter. Criteria: ICSL Variant Classification Criteria 13 December 2019. Collection method: clinical testing. Allele origin: germline.
Comment: This variant was observed in the ICSL laboratory as part of a predisposition screen in an ostensibly healthy population. It had not been previously curated by ICSL or reported in the Human Gene Mutation Database (HGMD: prior to June 1st, 2018), and was therefore a candidate for classification through an automated scoring system. Utilizing variant allele frequency, disease prevalence and penetrance estimates, and inheritance mode, an automated score was calculated to assess if this variant is too frequent to cause the disease. Based on the score and internal cut-off values, a variant classified as likely benign is not then subjected to further curation. The score for this variant resulted in a classification of likely benign for this disease.

Clinical Genetics DNA and cytogenetics Diagnostics Lab, Erasmus MC, Erasmus Medical Center
Classification: Likely benign. Review status: no assertion criteria provided. Collection method: clinical testing. Allele origin: germline. Affected: yes. Study: VKGL Data-share Consensus. Not counted in ClinVar's aggregate classification.

Genome Diagnostics Laboratory, Amsterdam University Medical Center
Classification: Likely benign. Review status: no assertion criteria provided. Collection method: clinical testing. Allele origin: germline. Affected: yes. Study: VKGL Data-share Consensus. Not counted in ClinVar's aggregate classification.